The following is an entry in ClinVar:

NM_000045.4(ARG1):c.802+1G>A

Genes: ARG1 (arginase 1; plus strand), MED23 (mediator complex subunit 23; minus strand). Cytogenetic location: 6q23.2.
Variant type: single nucleotide variant.
Coding change: c.802+1G>A on transcript NM_000045.4 (MANE Select); the canonical splice donor site of the intron after coding-DNA position 802, G replaced by A.
Molecular consequence: splice donor variant. On other transcripts: intron variant (2).
Genome position (GRCh38, 1-based): chr6:131,583,492, G>A. VCF-style: chr6-131583492-G-A. GRCh37 (hg19) VCF-style: chr6-131904632-G-A.
Other names: c.826+1G>A (NM_001244438.2); c.547+1G>A (NM_001369020.1); c.4077+4217C>T (NM_001270521.2); c.4095+4217C>T (NM_015979.4).
Identifiers: ClinVar variation 2058364 (VCV002058364.4), dbSNP rs1774044564, ClinGen allele CA365653340.
Genomic context (GRCh38, chr6:131,583,492, plus strand): 5'-TCGTGGGAGGTCTGACATACAGAGAAGGTCTCTACATCACAGAAGAAATCTACAAAACAG[G>A]TAGTTAACAATCTGAGGTAATAGAGAAGCAAGTGTACACTTGACTAATATATATTTATAC-3'

ClinVar aggregate classification (germline): Pathogenic (1 of 4 stars; one submission).

Conditions:
Arginase deficiency. Also called: ARGININEMIA; ARG1 DEFICIENCY; Arginase 1 Deficiency. Identifiers: Orphanet 90, MedGen C0268548, MONDO:0008814, OMIM 207800.

Allele frequency attached by ClinVar (database versions not stated): gnomAD exomes below 0.00001.
gnomAD v4.1: 1 of 1,614,014 alleles (0.000062%); highest among the groups gnomAD compares: Non-Finnish European, 0.000085%; no homozygotes.

Submission:

Labcorp Genetics (formerly Invitae), Labcorp
Classification: Pathogenic for Arginase deficiency. Last evaluated: 2022-04-28. Review status: criteria provided, single submitter. Criteria: Invitae Variant Classification Sherloc (09022015). Collection method: clinical testing. Allele origin: germline.
Comment: Disruption of this splice site has been observed in individual(s) with arginase deficiency (PMID: 30285816). This variant is not present in population databases (gnomAD no frequency). This sequence change affects a donor splice site in intron 7 of the ARG1 gene. While this variant is not anticipated to result in nonsense mediated decay, it likely alters RNA splicing and results in a disrupted protein product. Variants that disrupt the consensus splice site are a relatively common cause of aberrant splicing (PMID: 17576681, 9536098). Algorithms developed to predict the effect of sequence changes on RNA splicing suggest that this variant may disrupt the consensus splice site. This variant disrupts a region of the ARG1 protein in which other variant(s) (p.Arg291*) have been determined to be pathogenic (PMID: 1598908, 19052914, 24103480; Invitae). This suggests that this is a clinically significant region of the protein, and that variants that disrupt it are likely to be disease-causing. For these reasons, this variant has been classified as Pathogenic.

Literature cited by the submitters: PubMed 30285816; PubMed 17576681; PubMed 9536098; PubMed 1598908; PubMed 19052914; PubMed 24103480.